The following is an entry in ClinVar:

ClinVar aggregate classification (germline): Pathogenic/Likely pathogenic. Review status: criteria provided, multiple submitters, no conflicts (2 of 4 stars). 3 submissions from 3 submitters: Pathogenic (2); Likely pathogenic (1). Last evaluated 2024-05-10.

Conditions:
Leukodystrophy, hypomyelinating, 11. Identifiers: Orphanet 88637, MedGen C4225305, MONDO:0014666, OMIM 616494.
Treacher Collins syndrome 3 (TCS3). Also called: POLR1C-Related Treacher Collins Syndrome. Identifiers: Orphanet 861, MedGen C1855433, MONDO:0009558, OMIM 248390.

Allele frequency attached by ClinVar (database versions not stated): gnomAD exomes below 0.00001; gnomAD 0.00001.
gnomAD v4.1: 3 of 1,613,926 alleles (0.00019%); highest among the groups gnomAD compares: African/African-American, 0.0013%; no homozygotes.

Submissions (3):

Fulgent Genetics
Classification: Likely pathogenic for Treacher Collins syndrome 3; Leukodystrophy, hypomyelinating, 11. Last evaluated: 2024-05-10. Review status: criteria provided, single submitter. Criteria: ACMG Guidelines, 2015. Collection method: clinical testing. Allele origin: germline.

GeneDx
Classification: Pathogenic. Last evaluated: 2016-05-05. Review status: criteria provided, single submitter. Criteria: GeneDx Variant Classification (06012015). Collection method: clinical testing. Allele origin: germline. Affected: yes.
Comment: The c.70-1G>A variant in the POLR1C gene has not been reported previously as a pathogenic variant nor as a benignvariant, to our knowledge. The c.70-1G>A variant was not observed in approximately 6500 individuals of Europeanand African American ancestry in the NHLBI Exome Sequencing Project, indicating it is not a common benignvariant in these populations. This splice site variant destroys the canonical splice acceptor site in intron 1, causingloss of a highly conserved region of the protein. This variant is predicted to cause abnormal gene splicing, eitherleading to an abnormal message that is subject to nonsense-mediated mRNA decay, or to an abnormal protein productif the message is used for protein translation. Therefore, we interpret c.70-1G>A as a pathogenic variant.

MyeliNeuroGene Lab, McGill University Health Center Research Institute
Classification: Pathogenic for Leukodystrophy, hypomyelinating, 11. Review status: criteria provided, single submitter. Criteria: ACMG Guidelines, 2015. Collection method: research. Allele origin: paternal. Inheritance: Autosomal recessive inheritance. Affected: no. Observed: 1 variant allele, 1 compound heterozygote.

Literature cited by the submitters: PubMed 610060 (cited by MyeliNeuroGene Lab, McGill University Health Center Research Institute).

NM_203290.4(POLR1C):c.70-1G>A

Gene: POLR1C (RNA polymerase I and III subunit C; plus strand). Cytogenetic location: 6p21.1.
Variant type: single nucleotide variant.
Coding change: c.70-1G>A on transcript NM_203290.4 (MANE Select); the canonical splice acceptor site of the intron before coding-DNA position 70, G replaced by A.
Molecular consequence: splice acceptor variant.
Genome position (GRCh38, 1-based): chr6:43,517,305, G>A. VCF-style: chr6-43517305-G-A. GRCh37 (hg19) VCF-style: chr6-43485043-G-A.
Other names: c.70-1G>A (NM_001318876.2, NM_001363658.2).
Identifiers: ClinVar variation 280457 (VCV000280457.7), dbSNP rs886041661, ClinGen allele CA10602984.